The following is an entry in ClinVar:

ClinVar aggregate classification (germline): Uncertain significance (1 of 4 stars; one submission).

Conditions:
Malignant hyperthermia, susceptibility to, 1 (MHS1). Also called: Anesthesia related hyperthermia; Malignant hyperpyrexia; Fulminating hyperpyrexia; Pharmacogenic myopathy; RYR1-Related Malignant Hyperthermia Susceptibility; Malignant hyperthermia suceptibility 1. Identifiers: Orphanet 423, MedGen C2930980, MONDO:0007783, OMIM 145600.

Submission:

All of Us Research Program, National Institutes of Health
Classification: Uncertain significance for Malignant hyperthermia, susceptibility to, 1. Last evaluated: 2023-06-26. Review status: criteria provided, single submitter. Criteria: ACMG Guidelines, 2015. Collection method: clinical testing. Allele origin: germline. Inheritance: Autosomal dominant inheritance. Observed: 1 variant allele, 1 heterozygote.
Comment: This missense variant replaces proline with leucine at codon 955 of the RYR1 protein. Computational prediction suggests that this variant may have deleterious impact on protein structure and function (internally defined REVEL score threshold >= 0.7, PMID: 27666373). To our knowledge, functional studies have not been reported for this variant. This variant has not been reported in individuals affected with RYR1-related disorders in the literature. This variant has not been identified in the general population by the Genome Aggregation Database (gnomAD). The available evidence is insufficient to determine the role of this variant in disease conclusively. Therefore, this variant is classified as a Variant of Uncertain Significance.

This study involves interpretation of variants in research participants for the purpose of population health screening. Participant phenotype was not available at the time of variant classification. Additional details can be found in publication PMID: 35346344, PMCID: PMC8962531

NM_000540.3(RYR1):c.2864C>T (p.Pro955Leu)

Gene: RYR1 (ryanodine receptor 1; plus strand). Cytogenetic location: 19q13.2.
Variant type: single nucleotide variant.
Coding change: c.2864C>T on transcript NM_000540.3 (MANE Select); coding-DNA position 2864, C replaced by T.
Protein change: p.Pro955Leu; replaces proline 955 with leucine.
Molecular consequence: missense variant.
Genome position (GRCh38, 1-based): chr19:38,464,716, C>T. VCF-style: chr19-38464716-C-T. GRCh37 (hg19) VCF-style: chr19-38955356-C-T.
Other names: c.2864C>T, p.Pro955Leu (NM_001042723.2); short protein forms P955L.
Identifiers: ClinVar variation 3071987 (VCV003071987.1), dbSNP rs2514084575, ClinGen allele CA405633825.